The following is an entry in ClinVar:

NM_001267550.2(TTN):c.41473C>T (p.Arg13825Ter)

Gene: TTN (titin; minus strand). Cytogenetic location: 2q31.2.
Variant type: single nucleotide variant.
Coding change: c.41473C>T on transcript NM_001267550.2 (MANE Select); coding-DNA position 41473, C replaced by T.
Protein change: p.Arg13825Ter; replaces arginine 13825 with a stop codon.
Molecular consequence: nonsense.
Genome position (GRCh38, 1-based): chr2:178,636,098, G>A on the plus strand (C>T on the coding strand, the complement: TTN is on the minus strand). VCF-style: chr2-178636098-G-A. GRCh37 (hg19) VCF-style: chr2-179500825-G-A.
Other names: c.41473C>T (NM_001267550.1, LRG_391t1); c.36550C>T, p.Arg12184Ter (NM_001256850.1); c.14278C>T, p.Arg4760Ter (NM_003319.4); c.33769C>T, p.Arg11257Ter (NM_133378.4); c.14653C>T, p.Arg4885Ter (NM_133432.3); c.14854C>T, p.Arg4952Ter (NM_133437.4); short protein forms R13825*, R11257*, R4885*, R4952*, R12184*, R4760*.
Identifiers: ClinVar variation 223274 (VCV000223274.14), dbSNP rs869312043, ClinGen allele CA353111.

ClinVar aggregate classification (germline): Conflicting classifications of pathogenicity. Review status: criteria provided, conflicting classifications (1 of 4 stars). 6 submissions from 6 submitters: Pathogenic (1); Likely pathogenic (4); Uncertain significance (1). Last evaluated 2026-04-14.

Conditions:
Primary dilated cardiomyopathy (DCM). Also called: Dilated Cardiomyopathy. Identifiers: Orphanet 217604, MedGen C0007193, MeSH D002311, MONDO:0005021, HP:0001644. Inheritance: Various modes of inheritance.
Autosomal recessive limb-girdle muscular dystrophy type 2J (LGMDR10). Also called: Limb-girdle muscular dystrophy, type 2J; MUSCULAR DYSTROPHY, LIMB-GIRDLE, AUTOSOMAL RECESSIVE 10. Identifiers: Orphanet 140922, MedGen C1837342, MONDO:0012127, OMIM 608807.
Dilated cardiomyopathy 1G (CMD1G). Identifiers: Orphanet 154, MedGen C1858763, MONDO:0011400, OMIM 604145.
Cardiovascular phenotype. Identifiers: MedGen CN230736.

gnomAD v4.1: 2 of 1,613,090 alleles (0.00012%); highest among the groups gnomAD compares: Non-Finnish European, 0.00017%; no homozygotes.

Submissions (6):

GeneDx
Classification: Likely pathogenic. Last evaluated: 2026-04-14. Review status: criteria provided, single submitter. Criteria: GeneDx Variant Classification Process June 2021. Collection method: clinical testing. Allele origin: germline.
Comment: Reported in the published literature in association with dilated cardiomyopathy, hypertrophic cardiomyopathy, and left ventricular non-compaction (PMID: 25589632, 41175027, 37652022, 31983221, 31251381); Not observed at significant frequency in large population cohorts (gnomAD); Located in a specific region of the I-band within TTN for which truncating variants are significantly associated with autosomal dominant cardiomyopathy and also with autosomal recessive skeletal myopathies (PMID: 27625338, 27869827, 32778822); This variant is associated with the following publications: (PMID: 25589632, 27625338, 27869827, 32778822, 31983221, 31691645, 35177841, 38438525, 41175027, 31251381, 37652022)

Labcorp Genetics (formerly Invitae), Labcorp
Classification: Pathogenic for Dilated cardiomyopathy 1G; Autosomal recessive limb-girdle muscular dystrophy type 2J. Last evaluated: 2025-03-31. Review status: criteria provided, single submitter. Criteria: Invitae Variant Classification Sherloc (09022015). Collection method: clinical testing. Allele origin: germline.
Comment: This sequence change creates a premature translational stop signal (p.Arg13825*) in the TTN gene. While this is not anticipated to result in nonsense mediated decay, it is expected to create a truncated TTN protein. This variant is not present in population databases (gnomAD no frequency). This premature translational stop signal has been observed in individuals with clinical features of dilated cardiomyopathy (PMID: 25589632, 31251381, 31983221; internal data). ClinVar contains an entry for this variant (Variation ID: 223274). This variant is located in the I band of TTN (PMID: 25589632). Truncating variants in this region have been reported in individuals affected with autosomal recessive centronuclear myopathy (PMID: 23975875, internal data). Truncating variants in this region have also been identified in individuals affected with autosomal dominant dilated cardiomyopathy and/or cardio-related conditions (PMID: 27869827, 32964742, internal data). For these reasons, this variant has been classified as Pathogenic.

Victorian Clinical Genetics Services, Murdoch Childrens Research Institute
Classification: Likely pathogenic for Dilated cardiomyopathy 1G. Last evaluated: 2023-07-17. Review status: criteria provided, single submitter. Criteria: ACMG Guidelines, 2015. Collection method: clinical testing. Allele origin: germline. Inheritance: Autosomal dominant inheritance. Affected: yes.
Comment: Based on the classification scheme VCGS_Germline_v1.3.4, this variant is classified as Likely pathogenic. Following criteria are met: 0102 - Loss of function is known mechanism of disease in this gene. In addition, dominant-negative is also a suggested mechanism. (PMID: 25589632). (I) 0108 - This gene is associated with both recessive and dominant disease (OMIM). (I) 0112 - The condition associated with this gene has incomplete penetrance. Variants in this gene that result in a premature truncating codon (PTC) are known to have reduced penetrance in DCM (PMID: 25589632). (I) 0201 - Variant is predicted to cause nonsense-mediated decay (NMD) and loss of protein (premature termination codon is located at least 54 nucleotides upstream of the final exon-exon junction). (SP) 0251 - This variant is heterozygous. (I) 0301 - Variant is absent from gnomAD (both v2 and v3). (SP) 0600 - Variant is located in the annotated I-band and the exon has a PSI score of 100 (PMID: 25589632). (I) 0703 - Other NMD-predicted variants comparable to the one identified in this case have moderate previous evidence for pathogenicity (ClinVar). (SP) 0803 - This variant has limited previous evidence of pathogenicity in unrelated individuals. It has been reported in at least three individuals with DCM (PMIDs: 25589632, 31983221; ClinVar, personal communication). It has been reported by clinical testing laboratories as likely pathogenic and VUS (ClinVar). (SP) 0905 - No published segregation evidence has been identified for this variant. (I) 1007 - No published functional evidence has been identified for this variant. (I) 1208 - Inheritance information for this variant is not currently available in this individual. (I) Legend: (SP) - Supporting pathogenic, (I) - Information, (SB) - Supporting benign

Ambry Genetics
Classification: Likely pathogenic for Cardiovascular phenotype. Last evaluated: 2020-04-07. Review status: criteria provided, single submitter. Criteria: Ambry Variant Classification Scheme 2023. Collection method: clinical testing. Allele origin: germline.
Comment: The p.R4760* variant (also known as c.14278C>T), located in coding exon 53 of the TTN gene, results from a C to T substitution at nucleotide position 14278. This changes the amino acid from an arginine to a stop codon within coding exon 53. This alteration has been reported in association with dilated cardiomyopathy (DCM) (Roberts AM et al. Sci Transl Med, 2015 Jan;7:270ra6). This exon is located in the I-band region of the N2-B isoform of the titin protein and is constitutively expressed in TTN transcripts (percent spliced in or PSI 100%). This alteration is expected to result in loss of function by premature protein truncation or nonsense-mediated mRNA decay. While truncating variants in TTN are present in 1-3% of the general population, truncating variants in the A-band are the most common cause of dilated cardiomyopathy (DCM) (Herman DS et al. N. Engl. J. Med., 2012 Feb;366:619-28; Roberts AM et al. Sci Transl Med, 2015 Jan;7:270ra6). TTN truncating variants encoded in constitutive exons (PSI >90%) have been found to be significantly associated with DCM regardless of their position in titin (Schafer S et al. Nat. Genet., 2017 01;49:46-53). As such, this alteration is classified as likely pathogenic.

Eurofins Ntd Llc (ga)
Classification: Uncertain significance. Last evaluated: 2016-12-08. Review status: criteria provided, single submitter. Criteria: EGL Classification Definitions 2015. Collection method: clinical testing. Allele origin: germline. Observed: 1 variant allele, 1 heterozygote.

Cardiovascular Biomedical Research Unit, Royal Brompton & Harefield NHS Foundation Trust
Classification: Likely pathogenic for Primary dilated cardiomyopathy. Last evaluated: 2014-10-08. Review status: criteria provided, single submitter. Criteria: Roberts et al. 2015. Collection method: research. Allele origin: germline. Inheritance: Autosomal dominant inheritance. Affected: yes. Observed: 1 variant allele. Study: Unselected DCM.
Comment: In the seven cohorts assessed, TTNtv were found in 14% of ambulant DCM, 22% end-stage or familial DCM, and 2% controls. Heterozygous nonsense, frameshift and canonical splice-disrupting variants found in constitutive and other highly utilised exons are highly likely to be pathogenic when identified in individuals with phenotypically confirmed DCM. TTNtv found incidentally in healthy individuals (excluding familial assessment of DCM relatives) are thought to have low penetrance, particularly when identified in exons that are not constitutively expressed in the heart.

Literature cited by the submitters: PubMed 25589632 (cited by 4 submitters); PubMed 31251381 (cited by Labcorp Genetics (formerly Invitae), Labcorp); PubMed 31983221 (cited by Labcorp Genetics (formerly Invitae), Labcorp and Victorian Clinical Genetics Services, Murdoch Childrens Research Institute); PubMed 23975875 (cited by Labcorp Genetics (formerly Invitae), Labcorp); PubMed 27869827 (cited by Labcorp Genetics (formerly Invitae), Labcorp); PubMed 32964742 (cited by Labcorp Genetics (formerly Invitae), Labcorp).